The following is an entry in ClinVar:

ClinVar aggregate classification (germline): Uncertain significance. Review status: criteria provided, multiple submitters, no conflicts (2 of 4 stars). 2 submissions from 2 submitters: Uncertain significance (2). Last evaluated 2023-08-15.

Conditions:
Hereditary cancer-predisposing syndrome. Also called: Hereditary Cancer Syndrome; Hereditary neoplastic syndrome; Neoplastic Syndromes, Hereditary; Tumor predisposition. Identifiers: Orphanet 140162, MedGen C0027672, MeSH D009386, MONDO:0015356.
Rhabdoid tumor predisposition syndrome 2 (RTPS2). Identifiers: Orphanet 231108, Orphanet 69077, MedGen C2750074, MONDO:0013224, OMIM 613325.

Submissions (2):

Baylor Genetics
Classification: Uncertain significance for Rhabdoid tumor predisposition syndrome 2. Last evaluated: 2023-08-15. Review status: criteria provided, single submitter. Criteria: ACMG Guidelines, 2015. Collection method: clinical testing. Allele origin: unknown.

Ambry Genetics
Classification: Uncertain significance for Hereditary cancer-predisposing syndrome. Last evaluated: 2022-09-02. Review status: criteria provided, single submitter. Criteria: Ambry Variant Classification Scheme 2023. Collection method: clinical testing. Allele origin: germline.
Comment: The p.S1453P variant (also known as c.4357T>C), located in coding exon 30 of the SMARCA4 gene, results from a T to C substitution at nucleotide position 4357. The serine at codon 1453 is replaced by proline, an amino acid with similar properties. This amino acid position is not well conserved in available vertebrate species, and proline is the reference amino acid in other vertebrate species. In addition, this alteration is predicted to be tolerated by in silico analysis. Missense and in-frame variants in SMARCA4 are known to cause neurodevelopmental disorders; however, such associations with rhabdoid tumor predisposition syndrome including small cell carcinoma of the ovary-hypercalcemic type (SCCOHT) are exceedingly rare (Kosho T et al. Am J Med Genet C Semin Med Genet. 2014 Sep;166C(3):262-75; Jelinic P et al. Nat Genet. 2014 May;46(5):424-6). Based on the supporting evidence, the association of this alteration with Coffin-Siris syndrome is unknown; however, the association of this alteration with rhabdoid tumor predisposition syndrome is unlikely.

NM_003072.5(SMARCA4):c.4261T>C (p.Ser1421Pro)

Gene: SMARCA4 (SWI/SNF related BAF chromatin remodeling complex subunit ATPase 4; plus strand). Cytogenetic location: 19p13.2.
Variant type: single nucleotide variant.
Coding change: c.4261T>C on transcript NM_003072.5 (MANE Select); coding-DNA position 4261, T replaced by C.
Protein change: p.Ser1421Pro; replaces serine 1421 with proline.
Molecular consequence: missense variant. On other transcripts: non-coding transcript variant (1).
Genome position (GRCh38, 1-based): chr19:11,041,397, T>C. VCF-style: chr19-11041397-T-C. GRCh37 (hg19) VCF-style: chr19-11152073-T-C.
Other names: c.4261T>C, p.Ser1421Pro (NM_001128844.3); c.4171T>C, p.Ser1391Pro (NM_001128845.2, NM_001128846.2); c.4162T>C, p.Ser1388Pro (NM_001128847.4, NM_001128848.2, NM_001374457.1); c.4357T>C, p.Ser1453Pro (NM_001128849.3, NM_001387283.1); c.4258T>C, p.Ser1420Pro (NM_001411150.1); short protein forms S1420P, S1453P, S1391P, S1388P, S1421P.
Identifiers: ClinVar variation 1739968 (VCV001739968.3), dbSNP rs2146816631, ClinGen allele CA404073337.
Genomic context (GRCh38, chr19:11,041,397, plus strand): 5'-GAAGAGGAGGTCCGGCAGAAGAAATCATCACGGAAGCGCAAGCGAGACAGCGACGCCGGC[T>C]CCTCCACCCCGACCACCAGCACCCGCAGCCGCGACAAGGACGACGAGAGCAAGAAGCAGA-3'
Protein context (NP_003063.2, residues 1411-1431): RKRKRDSDAG[Ser1421Pro]STPTTSTRSR